The following is an entry in ClinVar:

ClinVar aggregate classification (germline): Uncertain significance (1 of 4 stars; one submission).

Conditions:
Inborn genetic diseases. Identifiers: MedGen C0950123, MeSH D030342.

Submission:

Ambry Genetics
Classification: Uncertain significance for Inborn genetic diseases. Last evaluated: 2024-10-02. Review status: criteria provided, single submitter. Criteria: Ambry Variant Classification Scheme 2023. Collection method: clinical testing. Allele origin: germline.
Comment: The p.T1083M variant (also known as c.3248C>T), located in coding exon 24 of the ANKRD26 gene, results from a C to T substitution at nucleotide position 3248. The threonine at codon 1083 is replaced by methionine, an amino acid with similar properties. This amino acid position is conserved. In addition, this alteration is predicted to be tolerated by in silico analysis. Based on the available evidence, the clinical significance of this variant remains unclear.

NM_014915.3(ANKRD26):c.3248C>T (p.Thr1083Met)

Gene: ANKRD26 (ankyrin repeat domain containing 26; minus strand). Cytogenetic location: 10p12.1.
Variant type: single nucleotide variant.
Coding change: c.3248C>T on transcript NM_014915.3 (MANE Select); coding-DNA position 3248, C replaced by T.
Protein change: p.Thr1083Met; replaces threonine 1083 with methionine.
Molecular consequence: missense variant.
Genome position (GRCh38, 1-based): chr10:27,035,202, G>A on the plus strand (C>T on the coding strand, the complement: ANKRD26 is on the minus strand). VCF-style: chr10-27035202-G-A. GRCh37 (hg19) VCF-style: chr10-27324131-G-A.
Other names: c.3245C>T, p.Thr1082Met (NM_001256053.2); short protein forms T1082M, T1083M.
Identifiers: ClinVar variation 3395994 (VCV003395994.1).